The following is an entry in ClinVar:

ClinVar aggregate classification (germline): Uncertain significance (1 of 4 stars; one submission).

Submission:

Labcorp Genetics (formerly Invitae), Labcorp
Classification: Uncertain significance. Last evaluated: 2022-10-05. Review status: criteria provided, single submitter. Criteria: Invitae Variant Classification Sherloc (09022015). Collection method: clinical testing. Allele origin: germline.
Comment: This sequence change replaces glutamic acid, which is acidic and polar, with lysine, which is basic and polar, at codon 5 of the POC5 protein (p.Glu5Lys). This variant is not present in population databases (gnomAD no frequency). In summary, the available evidence is currently insufficient to determine the role of this variant in disease. Therefore, it has been classified as a Variant of Uncertain Significance. Algorithms developed to predict the effect of sequence changes on RNA splicing suggest that this variant may disrupt the consensus splice site. Algorithms developed to predict the effect of missense changes on protein structure and function are either unavailable or do not agree on the potential impact of this missense change (SIFT: "Not Available"; PolyPhen-2: "Possibly Damaging"; Align-GVGD: "Not Available"). This variant has not been reported in the literature in individuals affected with POC5-related conditions.

NM_001099271.2(POC5):c.13G>A (p.Glu5Lys)

Gene: POC5 (POC5 centriolar protein; minus strand). Cytogenetic location: 5q13.3.
Variant type: single nucleotide variant.
Coding change: c.13G>A on transcript NM_001099271.2 (MANE Select); coding-DNA position 13, G replaced by A.
Protein change: p.Glu5Lys; replaces glutamic acid 5 with lysine.
Molecular consequence: missense variant.
Genome position (GRCh38, 1-based): chr5:75,712,925, C>T on the plus strand (G>A on the coding strand, the complement: POC5 is on the minus strand). VCF-style: chr5-75712925-C-T. GRCh37 (hg19) VCF-style: chr5-75008750-C-T.
Other names: short protein forms E5K.
Identifiers: ClinVar variation 2003669 (VCV002003669.4), dbSNP rs2478984718, ClinGen allele CA360151911.
Genomic context (GRCh38, chr5:75,712,925, plus strand): 5'-AAGAGACAGAACTGCCTCGACTGGAGTCATTTTGCACAACTGGAAGTGAGTATTTCTCCT[C>T]ATCTGATGACATTCTGCACAAATGCTCTAAAACAGTAGAAGCTAACTTTAGCTTTTTTCC-3'
Protein context (NP_001092741.1, residues 1-15): MSSD[Glu5Lys]EKYSLPVVQN